The following is an entry in ClinVar:

ClinVar aggregate classification (germline): Pathogenic (1 of 4 stars; one submission).

Conditions:
Ehlers-Danlos syndrome, type 4 (EDSVASC). Also called: Ehlers-Danlos syndrome vascular type; Ehlers Danlos syndrome, ecchymotic type; Ehlers Danlos syndrome, arterial type; Ehlers Danlos syndrome, Sack-Barabas type; Ehlers-Danlos Syndrome Type IV. Identifiers: Orphanet 286, MedGen C0268338, MONDO:0017314, OMIM 130050.

Submission:

Labcorp Genetics (formerly Invitae), Labcorp
Classification: Pathogenic for Ehlers-Danlos syndrome, type 4. Last evaluated: 2023-08-17. Review status: criteria provided, single submitter. Criteria: Invitae Variant Classification Sherloc (09022015). Collection method: clinical testing. Allele origin: germline.
Comment: For these reasons, this variant has been classified as Pathogenic. ClinVar contains an entry for this variant (Variation ID: 1451915). This variant has not been reported in the literature in individuals affected with COL3A1-related conditions. This variant is not present in population databases (gnomAD no frequency). This sequence change creates a premature translational stop signal (p.Pro620Glnfs*171) in the COL3A1 gene. It is expected to result in an absent or disrupted protein product. Loss-of-function variants in COL3A1 are known to be pathogenic (PMID: 24922459).

Literature cited by the submitters: PubMed 24922459.

NM_000090.4(COL3A1):c.1859del (p.Pro620fs)

Gene: COL3A1 (collagen type III alpha 1 chain; plus strand). Cytogenetic location: 2q32.2.
Variant type: Deletion.
Coding change: c.1859del on transcript NM_000090.4 (MANE Select); coding-DNA position 1859, one base deleted (C; older notation c.1859delC).
Protein change: p.Pro620fs; shifts the reading frame from proline 620.
Molecular consequence: frameshift variant.
Genome position (GRCh38, 1-based): chr2:188,997,379, C deleted; the last of 5 consecutive C bases (chr2:188,997,375-188,997,379); deleting any one gives the same sequence. VCF-style (leftmost placement, unchanged base first): chr2-188997374-AC-A. GRCh37 (hg19) VCF-style: chr2-189862100-AC-A.
Other names: short protein forms P620fs.
Identifiers: ClinVar variation 1451915 (VCV001451915.6), dbSNP rs1576467144, ClinGen allele CA2573133087.